The following is an entry in ClinVar:

ClinVar aggregate classification (germline): Uncertain significance. Review status: criteria provided, multiple submitters, no conflicts (2 of 4 stars). 5 submissions from 5 submitters: Uncertain significance (4). 1 of the submissions does not count toward it. Last evaluated 2026-03-06.

Conditions:
WWOX-related disorder. Also called: WWOX-related condition.
Malignant tumor of esophagus. Also called: Esophageal cancer, somatic; Esophageal cancer. Identifiers: Orphanet 99977, MedGen C0546837, MONDO:0007576, OMIM 133239.
Developmental and epileptic encephalopathy, 28 (DEE28). Also called: Epileptic encephalopathy, early infantile, 28. Identifiers: Orphanet 442835, MedGen C4015519, MONDO:0014533, OMIM 616211.
Autosomal recessive spinocerebellar ataxia 12. Also called: SPINOCEREBELLAR ATAXIA WITH MENTAL RETARDATION AND EPILEPSY. Identifiers: Orphanet 284282, MedGen C3280452, MONDO:0013687, OMIM 614322.
Developmental and epileptic encephalopathy, 1 (DEE1). Also called: X-linked infantile spasms; West's syndrome; Tonic spasms with clustering, arrest of psychomotor development and hypsarrhythmia on EEG; X-Linked Infantile Spasm Syndrome; OHTAHARA SYNDROME, X-LINKED; Epileptic encephalopathy, early infantile, 1. Identifiers: MedGen C3463992, MONDO:0010632, OMIM 308350. Disease mechanism: loss of function.

Allele frequency attached by ClinVar (database versions not stated): TOPMed 0.00016; 1000 Genomes Project 30x 0.00031; ExAC 0.00002; gnomAD 0.00003; 1000 Genomes Project 0.00040.
gnomAD v4.1: 34 of 1,614,174 alleles (0.0021%); highest among the groups gnomAD compares: African/African-American, 0.037%; no homozygotes.

Submissions (5):

GeneDx
Classification: Uncertain significance. Last evaluated: 2026-03-06. Review status: criteria provided, single submitter. Criteria: GeneDx Variant Classification Process June 2021. Collection method: clinical testing. Allele origin: germline.
Comment: In silico analysis supports that this missense variant has a deleterious effect on protein structure/function; Has not been previously published as pathogenic or benign to our knowledge

Labcorp Genetics (formerly Invitae), Labcorp
Classification: Uncertain significance for Developmental and epileptic encephalopathy, 1; Autosomal recessive spinocerebellar ataxia 12. Last evaluated: 2022-08-22. Review status: criteria provided, single submitter. Criteria: Invitae Variant Classification Sherloc (09022015). Collection method: clinical testing. Allele origin: germline.
Comment: This sequence change replaces proline, which is neutral and non-polar, with threonine, which is neutral and polar, at codon 347 of the WWOX protein (p.Pro347Thr). This variant is present in population databases (rs200699154, gnomAD 0.02%). This variant has not been reported in the literature in individuals affected with WWOX-related conditions. ClinVar contains an entry for this variant (Variation ID: 569507). Algorithms developed to predict the effect of missense changes on protein structure and function are either unavailable or do not agree on the potential impact of this missense change (SIFT: "Not Available"; PolyPhen-2: "Possibly Damaging"; Align-GVGD: "Not Available"). In summary, the available evidence is currently insufficient to determine the role of this variant in disease. Therefore, it has been classified as a Variant of Uncertain Significance.

New York Genome Center
Classification: Uncertain significance for Developmental and epileptic encephalopathy, 28. Last evaluated: 2020-07-10. Review status: criteria provided, single submitter. Criteria: NYGC Assertion Criteria 2020. Collection method: clinical testing. Allele origin: germline. Observed: 1 heterozygote. Study: CSER-NYCKidSeq.

Fulgent Genetics
Classification: Uncertain significance for Malignant tumor of esophagus; Autosomal recessive spinocerebellar ataxia 12; Developmental and epileptic encephalopathy, 28. Last evaluated: 2018-10-31. Review status: criteria provided, single submitter. Criteria: ACMG Guidelines, 2015. Collection method: clinical testing. Allele origin: unknown.

PreventionGenetics, part of Exact Sciences
Classification: Uncertain significance for WWOX-related condition. Last evaluated: 2024-06-28. Review status: no assertion criteria provided. Collection method: clinical testing. Allele origin: germline. Not counted in ClinVar's aggregate classification.
Comment: The WWOX c.1039C>A variant is predicted to result in the amino acid substitution p.Pro347Thr. To our knowledge, this variant has not been reported in the literature. This variant is reported in 0.025% of alleles in individuals of African descent in gnomAD. At this time, the clinical significance of this variant is uncertain due to the absence of conclusive functional and genetic evidence.

NM_016373.4(WWOX):c.1039C>A (p.Pro347Thr)

Gene: WWOX (WW domain containing oxidoreductase; plus strand). Cytogenetic location: 16q23.1.
Variant type: single nucleotide variant.
Coding change: c.1039C>A on transcript NM_016373.4 (MANE Select); coding-DNA position 1039, C replaced by A.
Protein change: p.Pro347Thr; replaces proline 347 with threonine.
Molecular consequence: missense variant.
Genome position (GRCh38, 1-based): chr16:78,432,735, C>A. VCF-style: chr16-78432735-C-A. GRCh37 (hg19) VCF-style: chr16-78466632-C-A.
Other names: c.1039C>A (NM_016373.2); c.700C>A, p.Pro234Thr (NM_001291997.2); short protein forms P347T, P234T.
Identifiers: ClinVar variation 569507 (VCV000569507.10), dbSNP rs200699154, ClinGen allele CA8183611.